The following is an entry in ClinVar:

ClinVar aggregate classification (germline): Likely benign. Review status: criteria provided, multiple submitters, no conflicts (2 of 4 stars). 3 submissions from 3 submitters: Likely benign (2). 1 of the submissions does not count toward it. Last evaluated 2026-03-01.

Conditions:
FDFT1-related disorder. Also called: FDFT1-related condition.

Allele frequency attached by ClinVar (database versions not stated): ExAC 0.00038; ESP Exome Variant Server 0.00038; TOPMed 0.00038; gnomAD 0.00039; 1000 Genomes Project 0.00060; 1000 Genomes Project 30x 0.00062; gnomAD exomes 0.00075.
gnomAD v4.1: 1,149 of 1,614,118 alleles (0.071%); highest among the groups gnomAD compares: Non-Finnish European, 0.089%; 2 homozygotes.

Submissions (3):

CeGaT Center for Human Genetics Tuebingen
Classification: Likely benign. Last evaluated: 2026-03-01. Review status: criteria provided, single submitter. Criteria: CeGaT Center For Human Genetics Tuebingen Variant Classification Criteria Version 2. Collection method: clinical testing. Allele origin: germline. Affected: yes. Observed: 2 variant alleles.
Comment: FDFT1: BP4, BP7

Blueprint Genetics
Classification: Likely benign. Last evaluated: 2024-11-04. Review status: criteria provided, single submitter. Criteria: ACMG Guidelines, 2015. Collection method: clinical testing. Allele origin: germline.

PreventionGenetics, part of Exact Sciences
Classification: Likely benign for FDFT1-related condition. Last evaluated: 2019-05-03. Review status: no assertion criteria provided. Collection method: clinical testing. Allele origin: germline. Not counted in ClinVar's aggregate classification.
Comment: This variant is classified as likely benign based on ACMG/AMP sequence variant interpretation guidelines (Richards et al. 2015 PMID: 25741868, with internal and published modifications).

NM_004462.5(FDFT1):c.954A>G (p.Lys318=)

Gene: FDFT1 (farnesyl-diphosphate farnesyltransferase 1). Cytogenetic location: 8p23.1.
Variant type: single nucleotide variant.
Coding change: c.954A>G on transcript NM_004462.5 (MANE Select); coding-DNA position 954, A replaced by G.
Protein change: p.Lys318=; no amino-acid change (lysine 318 retained).
Molecular consequence: synonymous variant.
Genome position (GRCh38, 1-based): chr8:11,831,592, A>G. VCF-style: chr8-11831592-A-G. GRCh37 (hg19) VCF-style: chr8-11689101-A-G.
Other names: c.954A>G, p.Lys318= (NM_001287742.2, NM_001287743.2); c.762A>G, p.Lys254= (NM_001287744.2, NM_001287745.2, NM_001287747.2 and 2 more transcripts); c.1131A>G, p.Lys377= (NM_001287750.2); c.699A>G, p.Lys233= (NM_001287751.2); c.453A>G, p.Lys151= (NM_001287756.2); c.1131A>G (NM_001287750.1).
Identifiers: ClinVar variation 2658415 (VCV002658415.26), dbSNP rs149474846, ClinGen allele CA4632099.